The following is an entry in ClinVar:

NM_005898.5(CAPRIN1):c.446T>G (p.Val149Gly)

Gene: CAPRIN1 (cell cycle associated protein 1; plus strand). Cytogenetic location: 11p13.
Variant type: single nucleotide variant.
Coding change: c.446T>G on transcript NM_005898.5 (MANE Select); coding-DNA position 446, T replaced by G.
Protein change: p.Val149Gly; replaces valine 149 with glycine.
Molecular consequence: missense variant.
Genome position (GRCh38, 1-based): chr11:34,076,315, T>G. VCF-style: chr11-34076315-T-G. GRCh37 (hg19) VCF-style: chr11-34097862-T-G.
Other names: c.446T>G, p.Val149Gly (NM_203364.3); short protein forms V149G.
Identifiers: ClinVar variation 3774215 (VCV003774215.1).

ClinVar aggregate classification (germline): Uncertain significance (1 of 4 stars; one submission).

Submission:

GeneDx
Classification: Uncertain significance. Last evaluated: 2024-09-20. Review status: criteria provided, single submitter. Criteria: GeneDx Variant Classification Process June 2021. Collection method: clinical testing. Allele origin: germline. Affected: yes.
Comment: Not observed at significant frequency in large population cohorts (gnomAD); In silico analysis supports that this missense variant has a deleterious effect on protein structure/function; Has not been previously published as pathogenic or benign to our knowledge